The following is an entry in ClinVar:

NM_002292.4(LAMB2):c.233T>C (p.Ile78Thr)

Gene: LAMB2 (laminin subunit beta 2; minus strand). Cytogenetic location: 3p21.31.
Variant type: single nucleotide variant.
Coding change: c.233T>C on transcript NM_002292.4 (MANE Select); coding-DNA position 233, T replaced by C.
Protein change: p.Ile78Thr; replaces isoleucine 78 with threonine.
Molecular consequence: missense variant.
Genome position (GRCh38, 1-based): chr3:49,132,507, A>G on the plus strand (T>C on the coding strand, the complement: LAMB2 is on the minus strand). VCF-style: chr3-49132507-A-G. GRCh37 (hg19) VCF-style: chr3-49169940-A-G.
Other names: short protein forms I78T.
Identifiers: ClinVar variation 3347457 (VCV003347457.1).

ClinVar aggregate classification (germline): Uncertain significance (0 of 4 stars; one submission).

Conditions:
LAMB2-related disorder. Also called: LAMB2-related condition.

gnomAD v4.1: 1 of 1,613,920 alleles (0.000062%); highest among the groups gnomAD compares: East Asian, 0.0022%; no homozygotes.

Submission:

PreventionGenetics, part of Exact Sciences
Classification: Uncertain significance for LAMB2-related condition. Last evaluated: 2024-04-17. Review status: no assertion criteria provided. Collection method: clinical testing. Allele origin: germline.
Comment: The LAMB2 c.233T>C variant is predicted to result in the amino acid substitution p.Ile78Thr. To our knowledge, this variant has not been reported in the literature or in a large population database, indicating this variant is rare. At this time, the clinical significance of this variant is uncertain due to the absence of conclusive functional and genetic evidence.